The following is an entry in ClinVar:

NM_000088.4(COL1A1):c.447_455del (p.143PPG[3])

Gene: COL1A1 (collagen type I alpha 1 chain; minus strand). Cytogenetic location: 17q21.33.
Variant type: Deletion.
Coding change: c.447_455del on transcript NM_000088.4 (MANE Select); coding-DNA positions 447 to 455, 9 bases deleted (TCCCGGACC; older notation c.447_455delTCCCGGACC).
Protein change: p.143PPG[3].
Molecular consequence: inframe deletion.
Genome position (GRCh38, 1-based): chr17:50,199,242-50,199,250, GGTCCGGGA deleted on the plus strand (TCCCGGACC on the coding strand, the reverse complement: COL1A1 is on the minus strand); deleting any 9 consecutive bases within chr17:50,199,242-50,199,258 gives the same sequence; the c. name uses the placement nearest the transcript's 3' end. VCF-style (leftmost placement, unchanged base first): chr17-50199241-GGGTCCGGGA-G. GRCh37 (hg19) VCF-style: chr17-48276602-GGGTCCGGGA-G.
Identifiers: ClinVar variation 2198577 (VCV002198577.4), dbSNP rs1333144999, ClinGen allele CA626486268.

ClinVar aggregate classification (germline): Uncertain significance (1 of 4 stars; one submission).

Conditions:
Osteogenesis imperfecta type I (OI1). Also called: OI, TYPE I; OSTEOGENESIS IMPERFECTA TARDA; OSTEOGENESIS IMPERFECTA WITH BLUE SCLERAE; Osteogenesis imperfecta type 1; Lobstein's Disease; Classic Non-deforming Osteogenesis Imperfecta with Blue Sclerae. Identifiers: Orphanet 216796, Orphanet 666, MedGen C0023931, MONDO:0008146, OMIM 166200. Disease mechanism: loss of function.

Submission:

Labcorp Genetics (formerly Invitae), Labcorp
Classification: Uncertain significance for Osteogenesis imperfecta type I. Last evaluated: 2022-05-03. Review status: criteria provided, single submitter. Criteria: Invitae Variant Classification Sherloc (09022015). Collection method: clinical testing. Allele origin: germline.
Comment: In summary, the available evidence is currently insufficient to determine the role of this variant in disease. Therefore, it has been classified as a Variant of Uncertain Significance. Experimental studies and prediction algorithms are not available or were not evaluated, and the functional significance of this variant is currently unknown. This variant has not been reported in the literature in individuals affected with COL1A1-related conditions. This variant is present in population databases (no rsID available, gnomAD 0.007%). This variant, c.447_455del, results in the deletion of 3 amino acid(s) of the COL1A1 protein (p.Pro152_Gly154del), but otherwise preserves the integrity of the reading frame.